The following is an entry in ClinVar:

ClinVar aggregate classification (germline): Pathogenic (0 of 4 stars; one submission).

Conditions:
Pyruvate dehydrogenase E1-alpha deficiency (PDHAD). Also called: ATAXIA, INTERMITTENT, WITH PYRUVATE DEHYDROGENASE DEFICIENCY; ATAXIA WITH LACTIC ACIDOSIS I; ATAXIA, INTERMITTENT, WITH ABNORMAL PYRUVATE METABOLISM; Ataxia, intermittent, with pyruvate dehydrogenase, or decarboxylase, deficiency. Identifiers: Orphanet 79243, MedGen C1839413, MONDO:0010717, OMIM 312170.

Submission:

PDHA1 Study Group, University Children’s Hospital, Paracelsus Medical University
Classification: Pathogenic for Pyruvate dehydrogenase E1-alpha deficiency. Last evaluated: 2024-10-15. Review status: no assertion criteria provided. Collection method: research. Allele origin: de novo. Affected: yes. Observed: 1 variant allele.
Comment: The NM_000284.3:c.595G>A (p.Ala199Thr) substitution is a missense variant in PDHA1 gene. Among them, 1 case had confirmed de novo occurrence. The variant has been reported in 1 published case (PMIDs: 8504306). Last literature search: July 12, 2024. This variant is absent or extremely rare in population-based cohorts in the Genome Aggregation Database (gnomAD). Individuals harboring this variant presented with clinical features compatible with PDHA1-related PDHc deficiency. In summary, this variant meets criteria to be classified as pathogenic (P) for PDHA1-related PDHc deficiency based on the ACMG/AMP criteria applied: PS2, PS3, PM2, PM7, PP3, PP5 (last assessment October 15, 2024).

Literature cited by the submitters: PubMed 8504306; DOI 10.1093/brain/awaf430.

NM_000284.4(PDHA1):c.595G>A (p.Ala199Thr)

Gene: PDHA1 (pyruvate dehydrogenase E1 subunit alpha 1; plus strand). Cytogenetic location: Xp22.12.
Variant type: single nucleotide variant.
Coding change: c.595G>A on transcript NM_000284.4 (MANE Select); coding-DNA position 595, G replaced by A.
Protein change: p.Ala199Thr; replaces alanine 199 with threonine.
Molecular consequence: missense variant. On other transcripts: intron variant (1).
Genome position (GRCh38, 1-based): chrX:19,354,575, G>A. VCF-style: chrX-19354575-G-A. GRCh37 (hg19) VCF-style: chrX-19372693-G-A.
Other names: c.709G>A, p.Ala237Thr (NM_001173454.2); c.616G>A, p.Ala206Thr (NM_001173455.2); c.511-774G>A (NM_001173456.2); short protein forms A199T, A206T, A237T.
Identifiers: ClinVar variation 4070343 (VCV004070343.1).
Genomic context (GRCh38, chrX:19,354,575, plus strand): 5'-CTAGCCTGTAAGTATAATGGAAAAGATGAGGTCTGCCTGACTTTATATGGCGATGGTGCT[G>A]CTAACCAGGTAATTATGTCTCTTAACTTCCCAAAAACAGTCTTATTTTCAAAGTCTTTAA-3'
Protein context (NP_000275.1, residues 189-209): VCLTLYGDGA[Ala199Thr]NQGQIFEAYN